The following is an entry in ClinVar:

NM_000138.5(FBN1):c.8051+7A>G

Gene: FBN1 (fibrillin 1; minus strand). Cytogenetic location: 15q21.1.
Variant type: single nucleotide variant.
Coding change: c.8051+7A>G on transcript NM_000138.5 (MANE Select); 7 bases into the intron after coding-DNA position 8051, A replaced by G.
Molecular consequence: intron variant.
Genome position (GRCh38, 1-based): chr15:48,415,529, T>C on the plus strand (A>G on the coding strand, the complement: FBN1 is on the minus strand). VCF-style: chr15-48415529-T-C. GRCh37 (hg19) VCF-style: chr15-48707726-T-C.
Identifiers: ClinVar variation 1102481 (VCV001102481.16), dbSNP rs755589553, ClinGen allele CA059527.

ClinVar aggregate classification (germline): Likely benign. Review status: criteria provided, multiple submitters, no conflicts (2 of 4 stars). 2 submissions from 2 submitters: Likely benign (2). Last evaluated 2025-03-01.

Conditions:
Familial thoracic aortic aneurysm and aortic dissection (TAAD). Also called: Thoracic aortic aneurysms and dissections. Identifiers: Orphanet 91387, MedGen C4707243, MONDO:0019625.
Marfan syndrome (MFS). Also called: Marfan syndrome type 1; Marfan's syndrome; MARFAN SYNDROME, TYPE I; Marfan syndrome, classic; FBN1-Related Marfan Syndrome. Identifiers: Orphanet 284963, Orphanet 558, MedGen C0024796, MONDO:0007947, OMIM 154700.

Allele frequency attached by ClinVar (database versions not stated): gnomAD exomes below 0.00001 and 0.00002; gnomAD 0.00001; ExAC 0.00002.
gnomAD v4.1: 6 of 1,602,706 alleles (0.00037%); highest among the groups gnomAD compares: Non-Finnish European, 0.00051%; no homozygotes.

Submissions (2):

CeGaT Center for Human Genetics Tuebingen
Classification: Likely benign. Last evaluated: 2025-03-01. Review status: criteria provided, single submitter. Criteria: CeGaT Center For Human Genetics Tuebingen Variant Classification Criteria Version 2. Collection method: clinical testing. Allele origin: germline. Affected: yes. Observed: 1 variant allele.
Comment: FBN1: BP4

Labcorp Genetics (formerly Invitae), Labcorp
Classification: Likely benign for Marfan syndrome; Familial thoracic aortic aneurysm and aortic dissection. Last evaluated: 2019-07-28. Review status: criteria provided, single submitter. Criteria: Invitae Variant Classification Sherloc (09022015). Collection method: clinical testing. Allele origin: germline.